The following is an entry in ClinVar:

NM_018052.5(VAC14):c.1306-7_1306-6delinsTT

Genes: VAC14 (VAC14 component of PIKFYVE complex; minus strand), VAC14-AS1 (VAC14 antisense RNA 1; plus strand). Cytogenetic location: 16q22.1.
Variant type: Indel.
Coding change: c.1306-7_1306-6delinsTT on transcript NM_018052.5 (MANE Select); 7 bases into the intron before coding-DNA position 1306 through 6 bases into the intron before coding-DNA position 1306, CC replaced by TT.
Molecular consequence: intron variant.
Genome position (GRCh38, 1-based): chr16:70,762,611-70,762,612, GG replaced by AA on the plus strand (CC replaced by TT on the coding strand, the reverse complement: VAC14 is on the minus strand). VCF-style: chr16-70762611-GG-AA. GRCh37 (hg19) VCF-style: chr16-70796514-GG-AA.
Other names: c.604-7_604-6delinsTT (NM_001351157.2).
Identifiers: ClinVar variation 2129504 (VCV002129504.4), dbSNP rs2507655899, ClinGen allele CA2580091934.

ClinVar aggregate classification (germline): Uncertain significance (1 of 4 stars; one submission).

Submission:

Labcorp Genetics (formerly Invitae), Labcorp
Classification: Uncertain significance. Last evaluated: 2022-04-23. Review status: criteria provided, single submitter. Criteria: Invitae Variant Classification Sherloc (09022015). Collection method: clinical testing. Allele origin: germline.
Comment: This variant has not been reported in the literature in individuals affected with VAC14-related conditions. Experimental studies and prediction algorithms are not available or were not evaluated, and the effect of this variant on mRNA splicing is currently unknown. In summary, the available evidence is currently insufficient to determine the role of this variant in disease. Therefore, it has been classified as a Variant of Uncertain Significance. Information on the frequency of this variant in the gnomAD database is not available, as this variant may be reported differently in the database. This sequence change falls in intron 11 of the VAC14 gene. It does not directly change the encoded amino acid sequence of the VAC14 protein.